The following is an entry in ClinVar:

NM_000090.4(COL3A1):c.3100C>A (p.Arg1034Ser)

Gene: COL3A1 (collagen type III alpha 1 chain; plus strand). Cytogenetic location: 2q32.2.
Variant type: single nucleotide variant.
Coding change: c.3100C>A on transcript NM_000090.4 (MANE Select); coding-DNA position 3100, C replaced by A.
Protein change: p.Arg1034Ser; replaces arginine 1034 with serine.
Molecular consequence: missense variant.
Genome position (GRCh38, 1-based): chr2:189,006,351, C>A. VCF-style: chr2-189006351-C-A. GRCh37 (hg19) VCF-style: chr2-189871077-C-A.
Other names: short protein forms R1034S.
Identifiers: ClinVar variation 2775138 (VCV002775138.2), dbSNP rs1178112512, ClinGen allele CA349845017.

ClinVar aggregate classification (germline): Uncertain significance (1 of 4 stars; one submission).

Conditions:
Familial thoracic aortic aneurysm and aortic dissection (TAAD). Also called: Thoracic aortic aneurysms and dissections. Identifiers: Orphanet 91387, MedGen C4707243, MONDO:0019625.

Submission:

Color Diagnostics, LLC DBA Color Health
Classification: Uncertain significance for Familial thoracic aortic aneurysm and aortic dissection. Last evaluated: 2024-03-06. Review status: criteria provided, single submitter. Criteria: ACMG Guidelines, 2015. Collection method: clinical testing. Allele origin: germline.
Comment: This missense variant replaces arginine with serine at codon 1034 of the COL3A1 protein. Computational prediction suggests that this variant may have deleterious impact on protein structure and function (internally defined REVEL score threshold >= 0.7, PMID: 27666373). To our knowledge, functional studies have not been reported for this variant. This variant has not been reported in individuals affected with cardiovascular disorders in the literature. This variant has not been identified in the general population by the Genome Aggregation Database (gnomAD). The available evidence is insufficient to determine the role of this variant in disease conclusively. Therefore, this variant is classified as a Variant of Uncertain Significance.